The following is an entry in ClinVar:

ClinVar aggregate classification (germline): Likely benign. Review status: criteria provided, multiple submitters, no conflicts (2 of 4 stars). 2 submissions from 2 submitters: Likely benign (2). Last evaluated 2018-06-19.

Allele frequency attached by ClinVar (database versions not stated): gnomAD 0.03926 and 0.04524; TOPMed 0.05009; gnomAD exomes 0.05259; 1000 Genomes Project 30x 0.10743; 1000 Genomes Project 0.11062.
gnomAD v4.1: 60,846 of 1,180,942 alleles (5.2%); highest among the groups gnomAD compares: East Asian, 30%; 3,450 homozygotes.

Submissions (2):

GeneDx
Classification: Likely benign. Last evaluated: 2018-06-19. Review status: criteria provided, single submitter. Criteria: GeneDx Variant Classification (06012015). Collection method: clinical testing. Allele origin: germline. Affected: yes.
Comment: This variant is considered likely benign or benign based on one or more of the following criteria: it is a conservative change, it occurs at a poorly conserved position in the protein, it is predicted to be benign by multiple in silico algorithms, and/or has population frequency not consistent with disease.

Breakthrough Genomics
Classification: Likely benign. Review status: criteria provided, single submitter. Criteria: ACMG Guidelines, 2015. Collection method: not provided. Allele origin: germline. Inheritance: Autosomal dominant inheritance. Affected: yes.

NM_001458.5(FLNC):c.5843-118G>A

Genes: FLNC (filamin C; plus strand), FLNC-AS1 (FLNC antisense RNA 1; minus strand). Cytogenetic location: 7q32.1.
Variant type: single nucleotide variant.
Coding change: c.5843-118G>A on transcript NM_001458.5 (MANE Select); 118 bases into the intron before coding-DNA position 5843, G replaced by A.
Molecular consequence: intron variant.
Genome position (GRCh38, 1-based): chr7:128,852,473, G>A. VCF-style: chr7-128852473-G-A. GRCh37 (hg19) VCF-style: chr7-128492527-G-A.
Other names: c.5744-118G>A (NM_001127487.2).
Identifiers: ClinVar variation 670518 (VCV000670518.2), dbSNP rs76972396, ClinGen allele CA166189748.